The following is an entry in ClinVar:

NM_001142864.4(PIEZO1):c.4997C>T (p.Ala1666Val)

Gene: PIEZO1 (piezo type mechanosensitive ion channel component 1 (Er blood group); minus strand). Cytogenetic location: 16q24.3.
Variant type: single nucleotide variant.
Coding change: c.4997C>T on transcript NM_001142864.4 (MANE Select); coding-DNA position 4997, C replaced by T.
Protein change: p.Ala1666Val; replaces alanine 1666 with valine.
Molecular consequence: missense variant.
Genome position (GRCh38, 1-based): chr16:88,722,025, G>A on the plus strand (C>T on the coding strand, the complement: PIEZO1 is on the minus strand). VCF-style: chr16-88722025-G-A. GRCh37 (hg19) VCF-style: chr16-88788433-G-A.
Other names: p.Ala1666Val; c.4997C>T (NM_001142864.3); short protein forms A1666V.
Identifiers: ClinVar variation 811027 (VCV000811027.24), dbSNP rs561397138, ClinGen allele CA8231975.

ClinVar aggregate classification (germline): Conflicting classifications of pathogenicity. Review status: criteria provided, conflicting classifications (1 of 4 stars). 5 submissions from 5 submitters: Uncertain significance (1); Likely benign (4). Last evaluated 2026-01-22.

Conditions:
PIEZO1-related disorder. Also called: PIEZO1-related condition; PIEZO1-Related Disorders.

Allele frequency attached by ClinVar (database versions not stated): ExAC 0.00038; gnomAD exomes 0.00078; gnomAD 0.00080 and 0.00085; TOPMed 0.00083.
gnomAD v4.1: 1,590 of 1,548,214 alleles (0.1%); highest among the groups gnomAD compares: Non-Finnish European, 0.12%; 6 homozygotes.

Submissions (5):

Labcorp Genetics (formerly Invitae), Labcorp
Classification: Likely benign. Last evaluated: 2026-01-22. Review status: criteria provided, single submitter. Criteria: Invitae Variant Classification Sherloc (09022015). Collection method: clinical testing. Allele origin: germline.

Mayo Clinic Laboratories, Mayo Clinic
Classification: Uncertain significance. Last evaluated: 2025-11-17. Review status: criteria provided, single submitter. Criteria: ACMG Guidelines, 2015. Collection method: clinical testing. Allele origin: germline. Observed: 4 variant alleles.
Comment: BP4_moderate

PreventionGenetics, part of Exact Sciences
Classification: Likely benign for PIEZO1-related condition. Last evaluated: 2025-09-08. Review status: criteria provided, single submitter. Criteria: ACMG Guidelines, 2015. Collection method: clinical testing. Allele origin: germline.
Comment: This variant is classified as likely benign based on ACMG/AMP sequence variant interpretation guidelines (Richards et al. 2015 PMID: 25741868, with internal and published modifications).

ARUP Laboratories, Molecular Genetics and Genomics, ARUP Laboratories
Classification: Likely benign. Last evaluated: 2024-07-12. Review status: criteria provided, single submitter. Criteria: ARUP Molecular Germline Variant Investigation Process 2024. Collection method: clinical testing. Allele origin: germline.

Breakthrough Genomics
Classification: Likely benign. Review status: criteria provided, single submitter. Criteria: ACMG Guidelines, 2015. Collection method: not provided. Allele origin: germline. Inheritance: Autosomal recessive inheritance. Affected: yes.